The following is an entry in ClinVar:

ClinVar aggregate classification (germline): Uncertain significance (0 of 4 stars; one submission).

Conditions:
NOTCH2-related disorder. Also called: NOTCH2-related condition.

Allele frequency attached by ClinVar (database versions not stated): gnomAD exomes 0.00001; ExAC 0.00037.

Submission:

PreventionGenetics, part of Exact Sciences
Classification: Uncertain significance for NOTCH2-related condition. Last evaluated: 2023-11-09. Review status: no assertion criteria provided. Collection method: clinical testing. Allele origin: germline.
Comment: The NOTCH2 c.7127T>C variant is predicted to result in the amino acid substitution p.Phe2376Ser. To our knowledge, this variant has not been reported in the literature. This variant is reported in 0.019% of alleles in individuals of European (Finnish) descent in gnomAD. At this time, the clinical significance of this variant is uncertain due to the absence of conclusive functional and genetic evidence.

NM_024408.4(NOTCH2):c.7127T>C (p.Phe2376Ser)

Gene: NOTCH2 (notch receptor 2; minus strand). Cytogenetic location: 1p12.
Variant type: single nucleotide variant.
Coding change: c.7127T>C on transcript NM_024408.4 (MANE Select); coding-DNA position 7127, T replaced by C.
Protein change: p.Phe2376Ser; replaces phenylalanine 2376 with serine.
Molecular consequence: missense variant.
Genome position (GRCh38, 1-based): chr1:119,915,595, A>G on the plus strand (T>C on the coding strand, the complement: NOTCH2 is on the minus strand). VCF-style: chr1-119915595-A-G. GRCh37 (hg19) VCF-style: chr1-120458218-A-G.
Other names: short protein forms F2376S.
Identifiers: ClinVar variation 3030094 (VCV003030094.2), dbSNP rs761902824, ClinGen allele CA1039316.